The following is an entry in ClinVar:

ClinVar aggregate classification (germline): Uncertain significance. Review status: criteria provided, multiple submitters, no conflicts (2 of 4 stars). 2 submissions from 2 submitters: Uncertain significance (2). Last evaluated 2023-11-22.

Conditions:
Charcot-Marie-Tooth disease axonal type 2O. Also called: CHARCOT-MARIE-TOOTH NEUROPATHY, AXONAL, TYPE 2O; CHARCOT-MARIE-TOOTH DISEASE, AXONAL, AUTOSOMAL DOMINANT, TYPE 2O; Charcot-Marie-Tooth Neuropathy Type 2O; Charcot-Marie-Tooth disease, axonal, type 20. Identifiers: Orphanet 284232, MedGen C3280220, MONDO:0013644, OMIM 614228.

Allele frequency attached by ClinVar (database versions not stated): gnomAD exomes below 0.00001.

Submissions (2):

GeneDx
Classification: Uncertain significance. Last evaluated: 2023-11-22. Review status: criteria provided, single submitter. Criteria: GeneDx Variant Classification Process June 2021. Collection method: clinical testing. Allele origin: germline. Affected: yes.
Comment: Not observed at significant frequency in large population cohorts (gnomAD); In silico analysis supports that this missense variant does not alter protein structure/function; Has not been previously published as pathogenic or benign to our knowledge; This variant is associated with the following publications: (PMID: 25512093, 25609763, 26100331)

Labcorp Genetics (formerly Invitae), Labcorp
Classification: Uncertain significance for Charcot-Marie-Tooth disease axonal type 2O. Last evaluated: 2020-03-26. Review status: criteria provided, single submitter. Criteria: Invitae Variant Classification Sherloc (09022015). Collection method: clinical testing. Allele origin: germline.
Comment: This variant has not been reported in the literature in individuals with DYNC1H1-related conditions. Algorithms developed to predict the effect of missense changes on protein structure and function output the following: SIFT: "Tolerated"; PolyPhen-2: "Benign"; Align-GVGD: "Class C0". The valine amino acid residue is found in multiple mammalian species, suggesting that this missense change does not adversely affect protein function. These predictions have not been confirmed by published functional studies and their clinical significance is uncertain. In summary, the available evidence is currently insufficient to determine the role of this variant in disease. Therefore, it has been classified as a Variant of Uncertain Significance. This variant is not present in population databases (ExAC no frequency). This sequence change replaces isoleucine with valine at codon 4492 of the DYNC1H1 protein (p.Ile4492Val). The isoleucine residue is highly conserved and there is a small physicochemical difference between isoleucine and valine.

NM_001376.5(DYNC1H1):c.13474A>G (p.Ile4492Val)

Gene: DYNC1H1 (dynein cytoplasmic 1 heavy chain 1; plus strand). Cytogenetic location: 14q32.31.
Variant type: single nucleotide variant.
Coding change: c.13474A>G on transcript NM_001376.5 (MANE Select); coding-DNA position 13474, A replaced by G.
Protein change: p.Ile4492Val; replaces isoleucine 4492 with valine.
Molecular consequence: missense variant.
Genome position (GRCh38, 1-based): chr14:102,049,541, A>G. VCF-style: chr14-102049541-A-G. GRCh37 (hg19) VCF-style: chr14-102515878-A-G.
Other names: c.13474A>G (NM_001376.4); short protein forms I4492V.
Identifiers: ClinVar variation 1042315 (VCV001042315.9), dbSNP rs2048775017, ClinGen allele CA391049461.